The following is an entry in ClinVar:

NM_002230.4(JUP):c.947T>G (p.Val316Gly)

Gene: JUP (junction plakoglobin; minus strand). Cytogenetic location: 17q21.2.
Variant type: single nucleotide variant.
Coding change: c.947T>G on transcript NM_002230.4 (MANE Select); coding-DNA position 947, T replaced by G.
Protein change: p.Val316Gly; replaces valine 316 with glycine.
Molecular consequence: missense variant.
Genome position (GRCh38, 1-based): chr17:41,765,030, A>C on the plus strand (T>G on the coding strand, the complement: JUP is on the minus strand). VCF-style: chr17-41765030-A-C. GRCh37 (hg19) VCF-style: chr17-39921282-A-C.
Other names: c.947T>G, p.Val316Gly (NM_001352773.2, NM_001352774.2, NM_001352775.2 and 3 more transcripts); short protein forms V316G.
Identifiers: ClinVar variation 694562 (VCV000694562.12), dbSNP rs1915485566, ClinGen allele CA399499554.

ClinVar aggregate classification (germline): Uncertain significance. Review status: criteria provided, multiple submitters, no conflicts (2 of 4 stars). 2 submissions from 2 submitters: Uncertain significance (2). Last evaluated 2019-10-19.

Conditions:
Primary dilated cardiomyopathy (DCM). Also called: Dilated Cardiomyopathy. Identifiers: Orphanet 217604, MedGen C0007193, MeSH D002311, MONDO:0005021, HP:0001644. Inheritance: Various modes of inheritance.
Naxos disease (NXD). Also called: WOOLLY HAIR, PALMOPLANTAR KERATODERMA, AND CARDIAC ABNORMALITIES; KERATOSIS PALMOPLANTARIS WITH ARRHYTHMOGENIC CARDIOMYOPATHY; MAL DE NAXOS; PALMOPLANTAR KERATODERMA WITH ARRHYTHMOGENIC RIGHT VENTRICULAR CARDIOMYOPATHY AND WOOLLY HAIR; CARDIOMYOPATHY, ARRHYTHMOGENIC RIGHT VENTRICULAR, WITH SKIN, HAIR, AND NAIL ABNORMALITIES. Identifiers: Orphanet 34217, MedGen C1832600, MONDO:0011017, OMIM 601214.
Arrhythmogenic right ventricular dysplasia 12. Also called: ARRHYTHMOGENIC RIGHT VENTRICULAR DYSPLASIA, FAMILIAL, 12. Identifiers: MedGen C1969081, MONDO:0012684, OMIM 611528.

Submissions (2):

Labcorp Genetics (formerly Invitae), Labcorp
Classification: Uncertain significance for Arrhythmogenic right ventricular dysplasia 12; Naxos disease. Last evaluated: 2019-10-19. Review status: criteria provided, single submitter. Criteria: Invitae Variant Classification Sherloc (09022015). Collection method: clinical testing. Allele origin: germline.
Comment: In summary, the available evidence is currently insufficient to determine the role of this variant in disease. Therefore, it has been classified as a Variant of Uncertain Significance. Algorithms developed to predict the effect of missense changes on protein structure and function are either unavailable or do not agree on the potential impact of this missense change (SIFT: "Deleterious"; PolyPhen-2: "Probably Damaging"; Align-GVGD: "Class C0"). This variant has not been reported in the literature in individuals with JUP-related conditions. This variant is not present in population databases (ExAC no frequency). This sequence change replaces valine with glycine at codon 316 of the JUP protein (p.Val316Gly). The valine residue is highly conserved and there is a moderate physicochemical difference between valine and glycine.

Genetics and Genomics Program, Sidra Medicine
Classification: Uncertain significance for Primary dilated cardiomyopathy. Review status: criteria provided, single submitter. Criteria: ACMG Guidelines, 2015. Collection method: research. Allele origin: unknown. Affected: yes. Observed: 1 variant allele.